The following is an entry in ClinVar:

ClinVar aggregate classification (germline): Pathogenic. Review status: criteria provided, single submitter (1 of 4 stars). 2 submissions from 2 submitters: Pathogenic (1). 1 of the submissions does not count toward it. Last evaluated 2024-03-08.

Conditions:
Ehlers-Danlos syndrome, classic-like, 3. Identifiers: MedGen C5935631, MONDO:0971044, OMIM 620865.
Ehlers-Danlos syndrome (EDS). Identifiers: Orphanet 98249, MedGen C0013720, MONDO:0020066.

Allele frequency attached by ClinVar (database versions not stated): gnomAD exomes below 0.00001.
gnomAD v4.1: 1 of 1,614,064 alleles (0.000062%); highest among the groups gnomAD compares: South Asian, 0.0011%; no homozygotes.

Submissions (2):

The Morris Kahn Laboratory of Human Genetics, Ben-gurion University of the Negev
Classification: Pathogenic for Ehlers-Danlos syndrome. Last evaluated: 2024-03-08. Review status: criteria provided, single submitter. Criteria: ACMG Guidelines, 2015. Collection method: research, in vivo. Allele origin: germline, not applicable. Inheritance: Autosomal dominant inheritance. Affected: yes. Observed: 1 variant allele, 1 heterozygote. Functional consequence: variation affecting protein structure.
Comment: A heterozygous NM_003247.5:c.2686T>C, p.Cys896Arg variant was identified in three female patients exhibiting a novel form of Ehlers-Danlos Syndrome (EDS) characterized by hypermobility, frequent joint dislocations, atrophic scarring, prolonged bleeding times, and age-related aortic dilatation and rupture. Normal results were observed in coagulation tests, platelet counts, and function. The reticular dermis showed highly disorganized collagen fibers, and transmission electron microscopy (TEM) revealed abnormally shaped fibroblasts and endothelial cells, along with a high volume and irregularly shaped extracellular matrix substances, especially surrounding blood vessels. CRISPR/Cas9 knock-in mice replicated these phenotypes, demonstrating hypermobility, prolonged bleeding times, and similar histological features in analyses conducted with both light microscopy and TEM (Noam Hadar et al., 2024). Furthermore, Thbs2-null mice previously produced also exhibited a similar phenotype (Themis R. Kyriakides et al., 1998). Consequently, this variant has been classified as pathogenic.

OMIM
Classification: Pathogenic for EHLERS-DANLOS SYNDROME, CLASSIC-LIKE, 3 (1 family). Last evaluated: 2024-06-26. Review status: no assertion criteria provided. Collection method: literature only. Allele origin: germline. Not counted in ClinVar's aggregate classification.

Literature cited by the submitters: PubMed 38433265 (cited by The Morris Kahn Laboratory of Human Genetics, Ben-gurion University of the Negev and OMIM).

NM_003247.5(THBS2):c.2686T>C (p.Cys896Arg)

Genes: THBS2 (thrombospondin 2; minus strand), THBS2-AS1 (THBS2 antisense RNA 1; plus strand), LOC126859908 (CDK7 strongly-dependent group 2 enhancer GRCh37_chr6:169624128-169625327; plus strand). Cytogenetic location: 6q27.
Variant type: single nucleotide variant.
Coding change: c.2686T>C on transcript NM_003247.5 (MANE Select); coding-DNA position 2686, T replaced by C.
Protein change: p.Cys896Arg; replaces cysteine 896 with arginine.
Molecular consequence: missense variant. On other transcripts: non-coding transcript variant (2).
Genome position (GRCh38, 1-based): chr6:169,225,232, A>G on the plus strand (T>C on the coding strand, the complement: THBS2 is on the minus strand). VCF-style: chr6-169225232-A-G. GRCh37 (hg19) VCF-style: chr6-169625327-A-G.
Other names: c.2512T>C, p.Cys838Arg (NM_001381939.1); c.2455T>C, p.Cys819Arg (NM_001381942.1); short protein forms C819R, C838R, C896R.
Identifiers: ClinVar variation 3062024 (VCV003062024.4), dbSNP rs2483451503, ClinGen allele CA366458774.